The following is an entry in ClinVar:

ClinVar aggregate classification (germline): Uncertain significance (1 of 4 stars; one submission).

Conditions:
Familial focal epilepsy with variable foci (FPEVF). Identifiers: Orphanet 98820, MedGen C1858477, MONDO:0020310.

gnomAD v4.1: 3 of 1,613,982 alleles (0.00019%); highest among the groups gnomAD compares: South Asian, 0.0011%; no homozygotes.

Submission:

Labcorp Genetics (formerly Invitae), Labcorp
Classification: Uncertain significance for Familial focal epilepsy with variable foci. Last evaluated: 2025-04-07. Review status: criteria provided, single submitter. Criteria: Invitae Variant Classification Sherloc (09022015). Collection method: clinical testing. Allele origin: germline.
Comment: This sequence change replaces proline, which is neutral and non-polar, with serine, which is neutral and polar, at codon 388 of the DEPDC5 protein (p.Pro388Ser). This variant is present in population databases (rs769703915, gnomAD 0.003%). This variant has not been reported in the literature in individuals affected with DEPDC5-related conditions. ClinVar contains an entry for this variant (Variation ID: 2737906). Experimental studies and prediction algorithms are not available or were not evaluated, and the functional significance of this variant is currently unknown. In summary, the available evidence is currently insufficient to determine the role of this variant in disease. Therefore, it has been classified as a Variant of Uncertain Significance.

NM_001242896.3(DEPDC5):c.1162C>T (p.Pro388Ser)

Gene: DEPDC5 (DEP domain containing 5, GATOR1 subcomplex subunit; plus strand). Cytogenetic location: 22q12.3.
Variant type: single nucleotide variant.
Coding change: c.1162C>T on transcript NM_001242896.3 (MANE Select); coding-DNA position 1162, C replaced by T.
Protein change: p.Pro388Ser; replaces proline 388 with serine.
Molecular consequence: missense variant. On other transcripts: non-coding transcript variant (5).
Genome position (GRCh38, 1-based): chr22:31,804,860, C>T. VCF-style: chr22-31804860-C-T. GRCh37 (hg19) VCF-style: chr22-32200846-C-T.
Other names: c.1162C>T, p.Pro388Ser (NM_001007188.4, NM_001136029.4, NM_001242897.2 and 7 more transcripts); c.1078C>T, p.Pro360Ser (NM_001369901.1, NM_001369902.1); short protein forms P360S, P388S.
Identifiers: ClinVar variation 2737906 (VCV002737906.3), dbSNP rs769703915, ClinGen allele CA10196262.